The following is an entry in ClinVar:

NM_014159.7(SETD2):c.7352C>T (p.Ala2451Val)

Gene: SETD2 (SET domain containing 2, histone lysine methyltransferase; minus strand). Cytogenetic location: 3p21.31.
Variant type: single nucleotide variant.
Coding change: c.7352C>T on transcript NM_014159.7 (MANE Select); coding-DNA position 7352, C replaced by T.
Protein change: p.Ala2451Val; replaces alanine 2451 with valine.
Molecular consequence: missense variant. On other transcripts: non-coding transcript variant (1).
Genome position (GRCh38, 1-based): chr3:47,019,839, G>A on the plus strand (C>T on the coding strand, the complement: SETD2 is on the minus strand). VCF-style: chr3-47019839-G-A. GRCh37 (hg19) VCF-style: chr3-47061329-G-A.
Other names: c.7220C>T, p.Ala2407Val (NM_001349370.3); short protein forms A2451V, A2407V.
Identifiers: ClinVar variation 135208 (VCV000135208.1), dbSNP rs587778667, ClinGen allele CA162017.
Genomic context (GRCh38, chr3:47,019,839, plus strand): 5'-TTGCTTTTCTTTGCTAGTTCACTGGAGGTGTCTGCTTCTGCTGTCTTGGGCTTTTTCGAG[G>A]CCTAAAAATGGAGGAGAAAACACAGTGGTGCTGGCATGAGAAGTCAGTTTAGTGATGCCC-3'
Protein context (NP_054878.5, residues 2441-2461): TPTYDENPMK[Ala2451Val]SKKPKTAEAD

ClinVar aggregate classification (germline): not provided (0 of 4 stars; one submission).

Allele frequency attached by ClinVar (database versions not stated): TOPMed below 0.00001; gnomAD exomes 0.00001.
gnomAD v4.1: 11 of 1,613,504 alleles (0.00068%); highest among the groups gnomAD compares: Non-Finnish European, 0.00085%; no homozygotes.

Submission:

ITMI
No classification provided. Condition: AllHighlyPenetrant. Last evaluated: 2013-09-19. Review status: no classification provided. Collection method: reference population. Allele origin: germline.
Comment: Please see associated publication for description of ethnicities

Literature cited by the submitters: PubMed 24728327.